The following is an entry in ClinVar:

ClinVar aggregate classification (germline): Pathogenic. Review status: reviewed by expert panel (3 of 4 stars). 2 submissions from 2 submitters: Pathogenic (1). 1 of the submissions does not count toward it. Last evaluated 2017-12-15.

Conditions:
Hereditary breast ovarian cancer syndrome. Also called: Hereditary breast and ovarian cancer syndrome (HBOC); BRCA1- and BRCA2-Associated Hereditary Breast and Ovarian Cancer; Hereditary breast and/or ovarian cancer syndrome; Hereditary breast and ovarian cancer syndrome; Hereditary breast and ovarian cancer; Breast and ovarian cancer. Identifiers: Orphanet 145, MedGen C0677776, MeSH D061325, MONDO:0003582. Disease mechanism: loss of function.
Breast-ovarian cancer, familial, susceptibility to, 1 (BROVCA1). Also called: BRCA1 Hereditary Breast and Ovarian Cancer; OVARIAN CANCER, SUSCEPTIBILITY TO. Identifiers: Orphanet 145, MedGen C2676676, MONDO:0011450, OMIM 604370. Disease mechanism: loss of function.

Submissions (2):

Evidence-based Network for the Interpretation of Germline Mutant Alleles (ENIGMA)
Classification: Pathogenic for Breast-ovarian cancer, familial, susceptibility to, 1. Last evaluated: 2017-12-15. Review status: reviewed by expert panel. Criteria: ENIGMA BRCA1/2 Classification Criteria (2017-06-29). Collection method: curation. Allele origin: germline. Study: ENIGMA.
Comment: Variant allele predicted to encode a truncated non-functional protein.

Research Molecular Genetics Laboratory, Women's College Hospital, University of Toronto
Classification: Pathogenic for Hereditary breast ovarian cancer syndrome. Last evaluated: 2014-01-31. Review status: no assertion criteria provided. Collection method: research. Allele origin: germline. Affected: yes. Study: The Canadian Open Genetics Repository (COGR). Not counted in ClinVar's aggregate classification.

NM_007294.4(BRCA1):c.3711_3715del (p.Pro1238fs)

Genes: BRCA1 (BRCA1 DNA repair associated; minus strand), LOC126862571 (BRD4-independent group 4 enhancer GRCh37_chr17:41243136-41244335; plus strand). Cytogenetic location: 17q21.31.
Variant type: Deletion.
Coding change: c.3711_3715del on transcript NM_007294.4 (MANE Select); coding-DNA positions 3711 to 3715, 5 bases deleted (ACCTT; older notation c.3711_3715delACCTT).
Protein change: p.Pro1238fs; shifts the reading frame from proline 1238.
Molecular consequence: frameshift variant. On other transcripts: intron variant (135).
Genome position (GRCh38, 1-based): chr17:43,091,816-43,091,820, AAGGT deleted on the plus strand (ACCTT on the coding strand, the reverse complement: BRCA1 is on the minus strand); deleting any 5 consecutive bases within chr17:43,091,816-43,091,821 gives the same sequence; the c. name uses the placement nearest the transcript's 3' end. VCF-style (leftmost placement, unchanged base first): chr17-43091815-GAAGGT-G. GRCh37 (hg19) VCF-style: chr17-41243832-GAAGGT-G.
Other names: c.3498_3502del, p.Pro1167fs (NM_001407571.1, NM_001407853.1, NM_001407894.1 and 9 more transcripts); c.3711_3715del, p.Pro1238fs (NM_001407581.1, NM_001407582.1, NM_001407583.1 and 30 more transcripts); c.3708_3712del, p.Pro1237fs (NM_001407587.1, NM_001407590.1, NM_001407591.1 and 22 more transcripts); c.3702_3706del, p.Pro1235fs (NM_001407646.1, NM_001407647.1); c.3588_3592del, p.Pro1197fs (NM_001407648.1, NM_001407664.1, NM_001407665.1 and 19 more transcripts); c.3585_3589del, p.Pro1196fs (NM_001407649.1, NM_001407670.1, NM_001407671.1 and 11 more transcripts); c.3633_3637del, p.Pro1212fs (NM_001407653.1, NM_001407654.1, NM_001407655.1 and 4 more transcripts); c.3630_3634del, p.Pro1211fs (NM_001407659.1, NM_001407660.1, NM_001407661.1 and 1 more transcripts); and 41 more; short protein forms P1191fs, P1238fs, P370fs, P1070fs, P1111fs, P1168fs, P1170fs, P1190fs.
Identifiers: ClinVar variation 431250 (VCV000431250.2), dbSNP rs1135401865, ClinGen allele CA645373172.